The following is an entry in ClinVar:

ClinVar aggregate classification (germline): Conflicting classifications of pathogenicity. Review status: criteria provided, conflicting classifications (1 of 4 stars). 4 submissions from 4 submitters: Uncertain significance (2); Likely benign (2). Last evaluated 2025-09-19.

Conditions:
Arrhythmogenic cardiomyopathy with wooly hair and keratoderma. Also called: Carvajal syndrome; PALMOPLANTAR KERATODERMA WITH LEFT VENTRICULAR CARDIOMYOPATHY AND WOOLLY HAIR; Dilated cardiomyopathy with woolly hair and keratoderma; Arrhythmogenic cardiomyopathy with woolly hair and keratoderma. Identifiers: Orphanet 65282, MedGen C1854063, MONDO:0011581, OMIM 605676.
Cardiovascular phenotype. Identifiers: MedGen CN230736.
Arrhythmogenic right ventricular dysplasia 8 (ARVD8). Also called: Arrhythmogenic Right Ventricular Dysplasia/Cardiomyopathy 8; ARRHYTHMOGENIC RIGHT VENTRICULAR DYSPLASIA, FAMILIAL, 8; ARRHYTHMOGENIC RIGHT VENTRICULAR CARDIOMYOPATHY 8. Identifiers: MedGen C1843896, MONDO:0011831, OMIM 607450.

Allele frequency attached by ClinVar (database versions not stated): gnomAD exomes below 0.00001 and 0.00002; TOPMed below 0.00001; gnomAD 0.00001; ExAC 0.00002.
gnomAD v4.1: 7 of 1,613,988 alleles (0.00043%); highest among the groups gnomAD compares: Non-Finnish European, 0.00059%; no homozygotes.

Submissions (4):

Labcorp Genetics (formerly Invitae), Labcorp
Classification: Likely benign for Arrhythmogenic cardiomyopathy with wooly hair and keratoderma; Arrhythmogenic right ventricular dysplasia 8. Last evaluated: 2025-09-19. Review status: criteria provided, single submitter. Criteria: Invitae Variant Classification Sherloc (09022015). Collection method: clinical testing. Allele origin: germline.

Molecular Diagnostic Laboratory for Inherited Cardiovascular Disease, Montreal Heart Institute
Classification: Uncertain significance for Cardiovascular phenotype. Last evaluated: 2025-02-17. Review status: criteria provided, single submitter. Criteria: ACMG Guidelines, 2015. Collection method: clinical testing. Allele origin: germline. Affected: yes.

All of Us Research Program, National Institutes of Health
Classification: Uncertain significance for Arrhythmogenic cardiomyopathy with wooly hair and keratoderma. Last evaluated: 2024-07-20. Review status: criteria provided, single submitter. Criteria: ACMG Guidelines, 2015. Collection method: clinical testing. Allele origin: germline. Inheritance: Autosomal dominant inheritance. Observed: 4 variant alleles, 4 heterozygotes.
Comment: This missense variant replaces asparagine with serine at codon 1354 of the DSP protein. Computational prediction suggests that this variant may not impact protein structure and function (internally defined REVEL score threshold <= 0.5, PMID: 27666373). To our knowledge, functional studies have not been reported for this variant. This variant has not been reported in individuals affected with DSP-related disorders in the literature. This variant has been identified in 4/250606 chromosomes in the general population by the Genome Aggregation Database (gnomAD). The available evidence is insufficient to determine the role of this variant in disease conclusively. Therefore, this variant is classified as a Variant of Uncertain Significance.

This study involves interpretation of variants in research participants for the purpose of population health screening. Participant phenotype was not available at the time of variant classification. Additional details can be found in publication PMID: 35346344, PMCID: PMC8962531

Ambry Genetics
Classification: Likely benign for Cardiovascular phenotype. Last evaluated: 2022-11-19. Review status: criteria provided, single submitter. Criteria: Ambry Variant Classification Scheme 2023. Collection method: clinical testing. Allele origin: germline.

NM_004415.4(DSP):c.4061A>G (p.Asn1354Ser)

Gene: DSP (desmoplakin; plus strand). Cytogenetic location: 6p24.3.
Variant type: single nucleotide variant.
Coding change: c.4061A>G on transcript NM_004415.4 (MANE Select); coding-DNA position 4061, A replaced by G.
Protein change: p.Asn1354Ser; replaces asparagine 1354 with serine.
Molecular consequence: missense variant. On other transcripts: intron variant (2).
Genome position (GRCh38, 1-based): chr6:7,580,251, A>G. VCF-style: chr6-7580251-A-G. GRCh37 (hg19) VCF-style: chr6-7580484-A-G.
Other names: c.4050+11A>G (NM_001319034.2); c.3582+479A>G (NM_001008844.3); c.4061A>G (NM_004415.3); short protein forms N1354S.
Identifiers: ClinVar variation 940270 (VCV000940270.14), dbSNP rs746333083, ClinGen allele CA040018.